The following is an entry in ClinVar:

NM_000245.4(MET):c.1902C>T (p.Phe634=)

Gene: MET (MET proto-oncogene, receptor tyrosine kinase; plus strand). Cytogenetic location: 7q31.2.
Variant type: single nucleotide variant.
Coding change: c.1902C>T on transcript NM_000245.4 (MANE Select); coding-DNA position 1902, C replaced by T.
Protein change: p.Phe634=; no amino-acid change (phenylalanine 634 retained).
Molecular consequence: synonymous variant.
Genome position (GRCh38, 1-based): chr7:116,757,476, C>T. VCF-style: chr7-116757476-C-T. GRCh37 (hg19) VCF-style: chr7-116397530-C-T.
Other names: c.1902C>T, p.Phe634= (NM_001127500.3, NM_001324401.3); c.612C>T, p.Phe204= (NM_001324402.2).
Identifiers: ClinVar variation 704934 (VCV000704934.14), dbSNP rs772450441, ClinGen allele CA4448320.

ClinVar aggregate classification (germline): Benign/Likely benign. Review status: criteria provided, multiple submitters, no conflicts (2 of 4 stars). 3 submissions from 3 submitters: Benign (1); Likely benign (2). Last evaluated 2026-01-04.

Conditions:
Renal cell carcinoma. Identifiers: Orphanet 217071, MedGen C0007134, MeSH D002292, MONDO:0005086, HP:0005584.
Hereditary cancer-predisposing syndrome. Also called: Neoplastic Syndromes, Hereditary; Hereditary Cancer Syndrome; Tumor predisposition; Hereditary neoplastic syndrome. Identifiers: Orphanet 140162, MedGen C0027672, MeSH D009386, MONDO:0015356.
Papillary renal cell carcinoma type 1 (RCCP1). Also called: Renal adenocarcinoma; Renal cell carcinoma 1; Renal cell carcinoma, somatic; RENAL CELL CARCINOMA, PAPILLARY, 1, SOMATIC. Identifiers: Orphanet 47044, MedGen C1336839, OMIM 605074, HP:0011797.

Allele frequency attached by ClinVar (database versions not stated): gnomAD 0.00001; ExAC 0.00002; gnomAD exomes 0.00002.
gnomAD v4.1: 11 of 1,613,544 alleles (0.00068%); highest among the groups gnomAD compares: East Asian, 0.022%; no homozygotes.

Submissions (3):

Labcorp Genetics (formerly Invitae), Labcorp
Classification: Likely benign for Renal cell carcinoma. Last evaluated: 2026-01-04. Review status: criteria provided, single submitter. Criteria: Invitae Variant Classification Sherloc (09022015). Collection method: clinical testing. Allele origin: germline.

Myriad Genetics, Inc.
Classification: Benign for Papillary renal cell carcinoma type 1. Last evaluated: 2024-11-08. Review status: criteria provided, single submitter. Criteria: Myriad Autosomal Dominant, Autosomal Recessive and X-Linked Classification Criteria (2023). Collection method: clinical testing. Allele origin: unknown.
Comment: This variant is considered benign. This variant is a silent/synonymous amino acid change and it is not expected to impact splicing.

Ambry Genetics
Classification: Likely benign for Hereditary cancer-predisposing syndrome. Last evaluated: 2020-03-05. Review status: criteria provided, single submitter. Criteria: Ambry Variant Classification Scheme 2023. Collection method: clinical testing. Allele origin: germline.